The following is an entry in ClinVar:

NM_030773.4(TUBB1):c.420C>G (p.Gly140=)

Gene: TUBB1 (tubulin beta 1 class VI; plus strand). Cytogenetic location: 20q13.32.
Variant type: single nucleotide variant.
Coding change: c.420C>G on transcript NM_030773.4 (MANE Select); coding-DNA position 420, C replaced by G.
Protein change: p.Gly140=; no amino-acid change (glycine 140 retained).
Molecular consequence: synonymous variant.
Genome position (GRCh38, 1-based): chr20:59,023,847, C>G. VCF-style: chr20-59023847-C-G. GRCh37 (hg19) VCF-style: chr20-57598902-C-G.
Identifiers: ClinVar variation 2172018 (VCV002172018.6), dbSNP rs753978071, ClinGen allele CA9928501.
Genomic context (GRCh38, chr20:59,023,847, plus strand): 5'-GAGGCACGAGAGTGAGAGCTGTGACTGCCTGCAGGGCTTCCAGATCGTCCACTCCCTGGG[C>G]GGGGGCACAGGCTCCGGGATGGGCACTCTGCTCATGAACAAGATTAGAGAGGAGTACCCG-3'
Protein context (NP_110400.1, residues 130-150): LQGFQIVHSL[Gly140=]GGTGSGMGTL

ClinVar aggregate classification (germline): Likely benign. Review status: criteria provided, multiple submitters, no conflicts (2 of 4 stars). 3 submissions from 3 submitters: Likely benign (3). Last evaluated 2026-01-19.

Conditions:
TUBB1-related disorder. Also called: TUBB1-related condition.

gnomAD v4.1: 131 of 1,613,946 alleles (0.0081%); highest among the groups gnomAD compares: Middle Eastern, 0.38%; 2 homozygotes.

Submissions (3):

Labcorp Genetics (formerly Invitae), Labcorp
Classification: Likely benign. Last evaluated: 2026-01-19. Review status: criteria provided, single submitter. Criteria: Invitae Variant Classification Sherloc (09022015). Collection method: clinical testing. Allele origin: germline.

PreventionGenetics, part of Exact Sciences
Classification: Likely benign for TUBB1-related condition. Last evaluated: 2024-12-24. Review status: criteria provided, single submitter. Criteria: ACMG Guidelines, 2015. Collection method: clinical testing. Allele origin: germline.
Comment: This variant is classified as likely benign based on ACMG/AMP sequence variant interpretation guidelines (Richards et al. 2015 PMID: 25741868, with internal and published modifications).

Blueprint Genetics
Classification: Likely benign. Last evaluated: 2024-11-25. Review status: criteria provided, single submitter. Criteria: ACMG Guidelines, 2015. Collection method: clinical testing. Allele origin: germline.